The following is an entry in ClinVar:

NM_001039141.3(TRIOBP):c.2846C>T (p.Thr949Ile)

Gene: TRIOBP (TRIO and F-actin binding protein; plus strand). Cytogenetic location: 22q13.1.
Variant type: single nucleotide variant.
Coding change: c.2846C>T on transcript NM_001039141.3 (MANE Select); coding-DNA position 2846, C replaced by T.
Protein change: p.Thr949Ile; replaces threonine 949 with isoleucine.
Molecular consequence: missense variant.
Genome position (GRCh38, 1-based): chr22:37,725,402, C>T. VCF-style: chr22-37725402-C-T. GRCh37 (hg19) VCF-style: chr22-38121409-C-T.
Other names: short protein forms T949I.
Identifiers: ClinVar variation 4781793 (VCV004781793.1).

ClinVar aggregate classification (germline): Uncertain significance (1 of 4 stars; one submission).

gnomAD v4.1: 6 of 1,610,646 alleles (0.00037%); highest among the groups gnomAD compares: East Asian, 0.0045%; no homozygotes.

Submission:

Labcorp Genetics (formerly Invitae), Labcorp
Classification: Uncertain significance. Last evaluated: 2025-09-10. Review status: criteria provided, single submitter. Criteria: Invitae Variant Classification Sherloc (09022015). Collection method: clinical testing. Allele origin: germline.
Comment: This sequence change replaces threonine, which is neutral and polar, with isoleucine, which is neutral and non-polar, at codon 949 of the TRIOBP protein (p.Thr949Ile). This variant is present in population databases (rs758045109, gnomAD 0.01%). This variant has not been reported in the literature in individuals affected with TRIOBP-related conditions. An algorithm developed to predict the effect of missense changes on protein structure and function (PolyPhen-2) suggests that this variant is likely to be disruptive. In summary, the available evidence is currently insufficient to determine the role of this variant in disease. Therefore, it has been classified as a Variant of Uncertain Significance.